The following is an entry in ClinVar:

NM_000252.3(MTM1):c.444+2T>A

Gene: MTM1 (myotubularin 1; plus strand). Cytogenetic location: Xq28.
Variant type: single nucleotide variant.
Coding change: c.444+2T>A on transcript NM_000252.3 (MANE Select); the canonical splice donor site of the intron after coding-DNA position 444, T replaced by A.
Molecular consequence: splice donor variant.
Genome position (GRCh38, 1-based): chrX:150,619,141, T>A. VCF-style: chrX-150619141-T-A. GRCh37 (hg19) VCF-style: chrX-149787614-T-A.
Other names: c.444+2T>A (NM_001376908.1, NM_001376906.1); c.333+2T>A (NM_001376907.1).
Identifiers: ClinVar variation 2017283 (VCV002017283.4), dbSNP rs2522254215, ClinGen allele CA415251788.

ClinVar aggregate classification (germline): Likely pathogenic (1 of 4 stars; one submission).

Conditions:
Severe X-linked myotubular myopathy (CNMX). Also called: MYOTUBULAR MYOPATHY 1; X-linked centronuclear myopathy; Myotubular myopathy, X-linked. Identifiers: Orphanet 596, MedGen C0410203, MONDO:0010683, OMIM 310400.

Submission:

Labcorp Genetics (formerly Invitae), Labcorp
Classification: Likely pathogenic for Severe X-linked myotubular myopathy. Last evaluated: 2022-07-18. Review status: criteria provided, single submitter. Criteria: Invitae Variant Classification Sherloc (09022015). Collection method: clinical testing. Allele origin: germline.
Comment: This sequence change affects a donor splice site in intron 6 of the MTM1 gene. It is expected to disrupt RNA splicing. Variants that disrupt the donor or acceptor splice site typically lead to a loss of protein function (PMID: 16199547), and loss-of-function variants in MTM1 are known to be pathogenic (PMID: 9305655, 10063835). This variant is not present in population databases (gnomAD no frequency). This variant has not been reported in the literature in individuals affected with MTM1-related conditions. Algorithms developed to predict the effect of sequence changes on RNA splicing suggest that this variant may disrupt the consensus splice site. In summary, the currently available evidence indicates that the variant is pathogenic, but additional data are needed to prove that conclusively. Therefore, this variant has been classified as Likely Pathogenic.

Literature cited by the submitters: PubMed 16199547; PubMed 9305655; PubMed 10063835.